The following is an entry in ClinVar:

NM_012318.3(LETM1):c.346G>A (p.Asp116Asn)

Gene: LETM1 (leucine zipper and EF-hand containing transmembrane protein 1; minus strand). Cytogenetic location: 4p16.3.
Variant type: single nucleotide variant.
Coding change: c.346G>A on transcript NM_012318.3 (MANE Select); coding-DNA position 346, G replaced by A.
Protein change: p.Asp116Asn; replaces aspartic acid 116 with asparagine.
Molecular consequence: missense variant.
Genome position (GRCh38, 1-based): chr4:1,841,595, C>T on the plus strand (G>A on the coding strand, the complement: LETM1 is on the minus strand). VCF-style: chr4-1841595-C-T. GRCh37 (hg19) VCF-style: chr4-1843322-C-T.
Other names: short protein forms D116N.
Identifiers: ClinVar variation 2078539 (VCV002078539.5), dbSNP rs150198439, ClinGen allele CA2811651.
Genomic context (GRCh38, chr4:1,841,595, plus strand): 5'-CCTCCAGCTTCTTGTTCTTGTCCTTCAAGGACTTGAGGGACTTCTCTACTACCGAGTCAT[C>T]GCGAACAGGGCGCGAAGAGTGCCAGCCACGCACAGGAAGGCACTGAGGTCCCACAGCCAC-3'
Protein context (NP_036450.1, residues 106-126): RGWHSSRPVR[Asp116Asn]DSVVEKSLKS

ClinVar aggregate classification (germline): Uncertain significance. Review status: criteria provided, multiple submitters, no conflicts (2 of 4 stars). 2 submissions from 2 submitters: Uncertain significance (2). Last evaluated 2025-11-10.

Conditions:
Inborn genetic diseases. Identifiers: MedGen C0950123, MeSH D030342.

Allele frequency attached by ClinVar (database versions not stated): ExAC 0.00018; ESP Exome Variant Server 0.00023; gnomAD 0.00026; TOPMed 0.00030; gnomAD exomes 0.00053.
gnomAD v4.1: 805 of 1,614,208 alleles (0.05%); highest among the groups gnomAD compares: Non-Finnish European, 0.065%; no homozygotes.

Submissions (2):

Labcorp Genetics (formerly Invitae), Labcorp
Classification: Uncertain significance. Last evaluated: 2025-11-10. Review status: criteria provided, single submitter. Criteria: Invitae Variant Classification Sherloc (09022015). Collection method: clinical testing. Allele origin: germline.
Comment: This sequence change replaces aspartic acid, which is acidic and polar, with asparagine, which is neutral and polar, at codon 116 of the LETM1 protein (p.Asp116Asn). This variant is present in population databases (rs150198439, gnomAD 0.03%). This variant has not been reported in the literature in individuals affected with LETM1-related conditions. ClinVar contains an entry for this variant (Variation ID: 2078539). An algorithm developed to predict the effect of missense changes on protein structure and function (PolyPhen-2) suggests that this variant is likely to be disruptive. In summary, the available evidence is currently insufficient to determine the role of this variant in disease. Therefore, it has been classified as a Variant of Uncertain Significance.

Ambry Genetics
Classification: Uncertain significance for Inborn genetic diseases. Last evaluated: 2024-12-20. Review status: criteria provided, single submitter. Criteria: Ambry Variant Classification Scheme 2023. Collection method: clinical testing. Allele origin: germline.